The following is an entry in ClinVar:

NM_001368882.1(COL13A1):c.1254G>T (p.Gln418His)

Gene: COL13A1 (collagen type XIII alpha 1 chain; plus strand). Cytogenetic location: 10q22.1.
Variant type: single nucleotide variant.
Coding change: c.1254G>T on transcript NM_001368882.1 (MANE Select); coding-DNA position 1254, G replaced by T.
Protein change: p.Gln418His; replaces glutamine 418 with histidine.
Molecular consequence: missense variant.
Genome position (GRCh38, 1-based): chr10:69,923,825, G>T. VCF-style: chr10-69923825-G-T. GRCh37 (hg19) VCF-style: chr10-71683581-G-T.
Other names: c.1221G>T, p.Gln407His (NM_001130103.2); c.1191G>T, p.Gln397His (NM_001320951.2, NM_001368884.1); c.1218G>T, p.Gln406His (NM_001368883.1); c.1155G>T, p.Gln385His (NM_001368885.1, NM_080801.4, NM_080802.4); c.591G>T, p.Gln197His (NM_001368886.1); c.1164G>T, p.Gln388His (NM_001368895.1, NM_080800.4); c.1050G>T, p.Gln350His (NM_001368896.1, NM_001368898.1, NM_080798.4); c.1077G>T, p.Gln359His (NM_001368897.1); and 2 more; short protein forms Q397H, Q406H, Q356H, Q359H, Q350H, Q385H, Q407H, Q418H.
Identifiers: ClinVar variation 1949126 (VCV001949126.4), dbSNP rs377500873, ClinGen allele CA5534652.
Genomic context (GRCh38, chr10:69,923,825, plus strand): 5'-CAGCATGCCCTCATCCCAACTCTCTCCTCTTCCCCAGGGAGAAGCAGGTGTCGATGGCCA[G>T]GTTGGCCCCCCAGGGCAGCCAGGAGACAAGGTACAGAGACCCCCACATCCCAGAGCTGCA-3'
Protein context (NP_001355811.1, residues 408-428): GPKGEAGVDG[Gln418His]VGPPGQPGDK

ClinVar aggregate classification (germline): Uncertain significance. Review status: criteria provided, multiple submitters, no conflicts (2 of 4 stars). 3 submissions from 3 submitters: Uncertain significance (3). Last evaluated 2025-07-15.

Conditions:
Congenital myasthenic syndrome 19. Identifiers: Orphanet 590, MedGen C4225235, MONDO:0014745, OMIM 616720.
Inborn genetic diseases. Identifiers: MedGen C0950123, MeSH D030342.

Allele frequency attached by ClinVar (database versions not stated): ExAC 0.00002.
gnomAD v4.1: 26 of 1,611,776 alleles (0.0016%); highest among the groups gnomAD compares: Non-Finnish European, 0.0022%; no homozygotes.

Submissions (3):

Ambry Genetics
Classification: Uncertain significance for Inborn genetic diseases. Last evaluated: 2025-07-15. Review status: criteria provided, single submitter. Criteria: Ambry Variant Classification Scheme 2023. Collection method: clinical testing. Allele origin: germline.

Revvity Omics, Revvity
Classification: Uncertain significance for Congenital myasthenic syndrome 19. Last evaluated: 2025-01-27. Review status: criteria provided, single submitter. Criteria: ACMG Guidelines, 2015. Collection method: clinical testing. Allele origin: germline.

Labcorp Genetics (formerly Invitae), Labcorp
Classification: Uncertain significance. Last evaluated: 2022-08-23. Review status: criteria provided, single submitter. Criteria: Invitae Variant Classification Sherloc (09022015). Collection method: clinical testing. Allele origin: germline.
Comment: This sequence change replaces glutamine, which is neutral and polar, with histidine, which is basic and polar, at codon 407 of the COL13A1 protein (p.Gln407His). The frequency data for this variant in the population databases is considered unreliable, as metrics indicate poor data quality at this position in the gnomAD database. This variant has not been reported in the literature in individuals affected with COL13A1-related conditions. Algorithms developed to predict the effect of missense changes on protein structure and function output the following: SIFT: "Deleterious"; PolyPhen-2: "Benign"; Align-GVGD: "Class C0". The histidine amino acid residue is found in multiple mammalian species, which suggests that this missense change does not adversely affect protein function. In summary, the available evidence is currently insufficient to determine the role of this variant in disease. Therefore, it has been classified as a Variant of Uncertain Significance.